The following is an entry in ClinVar:

NM_005629.4(SLC6A8):c.1310A>G (p.Tyr437Cys)

Gene: SLC6A8 (solute carrier family 6 member 8; plus strand). Cytogenetic location: Xq28.
Variant type: single nucleotide variant.
Coding change: c.1310A>G on transcript NM_005629.4 (MANE Select); coding-DNA position 1310, A replaced by G.
Protein change: p.Tyr437Cys; replaces tyrosine 437 with cysteine.
Molecular consequence: missense variant.
Genome position (GRCh38, 1-based): chrX:153,694,185, A>G. VCF-style: chrX-153694185-A-G. GRCh37 (hg19) VCF-style: chrX-152959640-A-G.
Other names: c.1280A>G, p.Tyr427Cys (NM_001142805.2); c.965A>G, p.Tyr322Cys (NM_001142806.1); short protein forms Y322C, Y427C, Y437C.
Identifiers: ClinVar variation 1696872 (VCV001696872.6), dbSNP rs1557045400, ClinGen allele CA415086781.

ClinVar aggregate classification (germline): Uncertain significance. Review status: criteria provided, multiple submitters, no conflicts (2 of 4 stars). 2 submissions from 2 submitters: Uncertain significance (2). Last evaluated 2023-08-16.

Conditions:
Creatine transporter deficiency (CCDS1). Also called: Creatine Transporter (CRTR) Deficiency; Mental retardation , X-linked with seizures, short stature and midface hypoplasia; Mental retardation , X-linked, with creatine transport deficiency; X-linked creatine transporter deficiency; X-linked creatine deficiency syndrome; SLC6A8-Related Creatine Transporter Deficiency. Identifiers: Orphanet 52503, MedGen C1845862, MONDO:0010305, OMIM 300352.

gnomAD v4.1: 2 of 1,210,283 alleles (0.00017%); highest among the groups gnomAD compares: East Asian, 0.0059%; no homozygotes.

Submissions (2):

Labcorp Genetics (formerly Invitae), Labcorp
Classification: Uncertain significance for Creatine transporter deficiency. Last evaluated: 2023-08-16. Review status: criteria provided, single submitter. Criteria: Invitae Variant Classification Sherloc (09022015). Collection method: clinical testing. Allele origin: germline.
Comment: This variant has not been reported in the literature in individuals affected with SLC6A8-related conditions. In summary, the available evidence is currently insufficient to determine the role of this variant in disease. Therefore, it has been classified as a Variant of Uncertain Significance. Advanced modeling of protein sequence and biophysical properties (such as structural, functional, and spatial information, amino acid conservation, physicochemical variation, residue mobility, and thermodynamic stability) performed at Invitae indicates that this missense variant is not expected to disrupt SLC6A8 protein function. ClinVar contains an entry for this variant (Variation ID: 1696872). This variant is present in population databases (no rsID available, gnomAD 0.008%). This sequence change replaces tyrosine, which is neutral and polar, with cysteine, which is neutral and slightly polar, at codon 437 of the SLC6A8 protein (p.Tyr437Cys).

GeneDx
Classification: Uncertain significance. Last evaluated: 2023-03-28. Review status: criteria provided, single submitter. Criteria: GeneDx Variant Classification Process June 2021. Collection method: clinical testing. Allele origin: germline. Affected: yes.
Comment: In silico analysis supports that this missense variant has a deleterious effect on protein structure/function; Has not been previously published as pathogenic or benign to our knowledge